The following is an entry in ClinVar:

NM_004817.4(TJP2):c.1594G>A (p.Gly532Arg)

Gene: TJP2 (tight junction protein 2; plus strand). Cytogenetic location: 9q21.11.
Variant type: single nucleotide variant.
Coding change: c.1594G>A on transcript NM_004817.4 (MANE Select); coding-DNA position 1594, G replaced by A.
Protein change: p.Gly532Arg; replaces glycine 532 with arginine.
Molecular consequence: missense variant.
Genome position (GRCh38, 1-based): chr9:69,230,155, G>A. VCF-style: chr9-69230155-G-A. GRCh37 (hg19) VCF-style: chr9-71845071-G-A.
Other names: c.1606G>A, p.Gly536Arg (NM_001369874.1, NM_001369875.1, NM_001170415.1); c.1594G>A, p.Gly532Arg (NM_201629.3, NM_001369872.1, NM_001369873.1); c.1525G>A, p.Gly509Arg (NM_001170414.2, NM_001369871.1); c.1687G>A, p.Gly563Arg (NM_001170416.2); c.1519G>A, p.Gly507Arg (NM_001369870.1); short protein forms G507R, G509R, G532R, G536R, G563R.
Identifiers: ClinVar variation 1285611 (VCV001285611.3), dbSNP rs748191387, ClinGen allele CA5073376.

ClinVar aggregate classification (germline): Uncertain significance. Review status: criteria provided, multiple submitters, no conflicts (2 of 4 stars). 3 submissions from 3 submitters: Uncertain significance (2). 1 of the submissions does not count toward it. Last evaluated 2025-07-21.

Conditions:
TJP2-related disorder. Also called: TJP2-related condition.
Cholestasis, progressive familial intrahepatic, 4. Identifiers: Orphanet 480483, Orphanet 79304, MedGen C2931067, MONDO:0014381, OMIM 615878.

Allele frequency attached by ClinVar (database versions not stated): gnomAD exomes below 0.00001 and 0.00001; gnomAD 0.00001; ExAC 0.00002.
gnomAD v4.1: 4 of 1,614,074 alleles (0.00025%); highest among the groups gnomAD compares: African/African-American, 0.0013%; no homozygotes.

Submissions (3):

PreventionGenetics, part of Exact Sciences
Classification: Uncertain significance for TJP2-related condition. Last evaluated: 2025-07-21. Review status: criteria provided, single submitter. Criteria: ACMG Guidelines, 2015. Collection method: clinical testing. Allele origin: germline.
Comment: The TJP2 c.1594G>A variant is predicted to result in the amino acid substitution p.Gly532Arg. This variant was reported in the homozygous state in an individual with progressive familial intrahepatic cholestasis; of note, the reported patient was also homozygous for a variant in DNAI1 and was affected with situs inversus (Rosina et al. 2022. PubMed ID: 35886058). This variant is reported in 0.0018% of alleles in individuals of European (Non-Finnish) descent in gnomAD. At this time, the clinical significance of this variant is uncertain due to the absence of conclusive functional and genetic evidence.

GeneDx
Classification: Uncertain significance. Last evaluated: 2022-12-06. Review status: criteria provided, single submitter. Criteria: GeneDx Variant Classification Process June 2021. Collection method: clinical testing. Allele origin: germline. Affected: yes.
Comment: Not observed at significant frequency in large population cohorts (gnomAD); In silico analysis supports that this missense variant has a deleterious effect on protein structure/function; This variant is associated with the following publications: (PMID: 35886058)

Molecular Genetics Laboratory, CHU Lille
Classification: Pathogenic for Cholestasis, progressive familial intrahepatic, 4. Review status: no assertion criteria provided. Collection method: clinical testing. Allele origin: germline. Inheritance: Autosomal recessive inheritance. Affected: yes. Not counted in ClinVar's aggregate classification.